The following is an entry in ClinVar:

NM_000540.3(RYR1):c.8131C>T (p.Pro2711Ser)

Gene: RYR1 (ryanodine receptor 1; plus strand). Cytogenetic location: 19q13.2.
Variant type: single nucleotide variant.
Coding change: c.8131C>T on transcript NM_000540.3 (MANE Select); coding-DNA position 8131, C replaced by T.
Protein change: p.Pro2711Ser; replaces proline 2711 with serine.
Molecular consequence: missense variant.
Genome position (GRCh38, 1-based): chr19:38,504,811, C>T. VCF-style: chr19-38504811-C-T. GRCh37 (hg19) VCF-style: chr19-38995451-C-T.
Other names: c.8131C>T, p.Pro2711Ser (NM_001042723.2); short protein forms P2711S.
Identifiers: ClinVar variation 3385466 (VCV003385466.1).

ClinVar aggregate classification (germline): Uncertain significance (1 of 4 stars; one submission).

Conditions:
Malignant hyperthermia, susceptibility to, 1 (MHS1). Also called: Anesthesia related hyperthermia; Malignant hyperpyrexia; Fulminating hyperpyrexia; Pharmacogenic myopathy; Malignant hyperthermia suceptibility 1; RYR1-Related Malignant Hyperthermia Susceptibility. Identifiers: Orphanet 423, MedGen C2930980, MONDO:0007783, OMIM 145600.

Submission:

All of Us Research Program, National Institutes of Health
Classification: Uncertain significance for Malignant hyperthermia, susceptibility to, 1. Last evaluated: 2024-04-16. Review status: criteria provided, single submitter. Criteria: ACMG Guidelines, 2015. Collection method: clinical testing. Allele origin: germline. Inheritance: Autosomal dominant inheritance. Observed: 1 variant allele, 1 heterozygote.
Comment: This missense variant replaces proline with serine at codon 2711 of the RYR1 protein. Computational prediction suggests that this variant may not impact protein structure and function (internally defined REVEL score threshold <= 0.5, PMID: 27666373). To our knowledge, functional studies have not been reported for this variant. This variant has not been reported in individuals affected with RYR1-related disorders in the literature. This variant has not been identified in the general population by the Genome Aggregation Database (gnomAD). The available evidence is insufficient to determine the role of this variant in disease conclusively. Therefore, this variant is classified as a Variant of Uncertain Significance.

This study involves interpretation of variants in research participants for the purpose of population health screening. Participant phenotype was not available at the time of variant classification. Additional details can be found in publication PMID: 35346344, PMCID: PMC8962531